The following is an entry in ClinVar:

ClinVar aggregate classification (germline): Uncertain significance (1 of 4 stars; one submission).

gnomAD v4.1: 2 of 1,613,604 alleles (0.00012%); highest among the groups gnomAD compares: Admixed American, 0.0017%; no homozygotes.

Submission:

GeneDx
Classification: Uncertain significance. Last evaluated: 2026-10-22. Review status: criteria provided, single submitter. Criteria: GeneDx Variant Classification Process June 2021. Collection method: clinical testing. Allele origin: germline.
Comment: In silico analysis supports that this missense variant has a deleterious effect on protein structure/function; Has not been previously published as pathogenic or benign to our knowledge

NM_033026.6(PCLO):c.9737G>A (p.Arg3246Gln)

Gene: PCLO (piccolo presynaptic cytomatrix protein; minus strand). Cytogenetic location: 7q21.11.
Variant type: single nucleotide variant.
Coding change: c.9737G>A on transcript NM_033026.6 (MANE Select); coding-DNA position 9737, G replaced by A.
Protein change: p.Arg3246Gln; replaces arginine 3246 with glutamine.
Molecular consequence: missense variant.
Genome position (GRCh38, 1-based): chr7:82,950,851, C>T on the plus strand (G>A on the coding strand, the complement: PCLO is on the minus strand). VCF-style: chr7-82950851-C-T. GRCh37 (hg19) VCF-style: chr7-82580167-C-T.
Other names: c.9737G>A, p.Arg3246Gln (NM_014510.3); short protein forms R3246Q.
Identifiers: ClinVar variation 3903248 (VCV003903248.2).